The following is an entry in ClinVar:

ClinVar aggregate classification (germline): Conflicting classifications of pathogenicity. Review status: criteria provided, conflicting classifications (1 of 4 stars). 2 submissions from 2 submitters: Uncertain significance (1); Likely benign (1). Last evaluated 2025-05-19.

Allele frequency attached by ClinVar (database versions not stated): gnomAD exomes below 0.00001 and 0.00001; ExAC 0.00001; gnomAD 0.00001; TOPMed 0.00003.

Submissions (2):

Ambry Genetics
Classification: Uncertain significance. Last evaluated: 2025-05-19. Review status: criteria provided, single submitter. Criteria: Ambry Variant Classification Scheme 2023. Collection method: clinical testing. Allele origin: germline.
Comment: The c.451-5delT intronic variant, located in intron 3 of the RNF43 gene, results from a deletion of one nucleotide within intron 3 of the RNF43 gene. This nucleotide position is well conserved in available vertebrate species. In silico splice site analysis predicts that this alteration will not have any significant effect on splicing. The evidence for this gene-disease relationship is limited; therefore, the clinical significance of this alteration is unclear.

Labcorp Genetics (formerly Invitae), Labcorp
Classification: Likely benign. Last evaluated: 2023-12-06. Review status: criteria provided, single submitter. Criteria: Invitae Variant Classification Sherloc (09022015). Collection method: clinical testing. Allele origin: germline.

NM_017763.6(RNF43):c.451-5del

Gene: RNF43 (ring finger protein 43; minus strand). Cytogenetic location: 17q22.
Variant type: Deletion.
Coding change: c.451-5del on transcript NM_017763.6 (MANE Select); 5 bases into the intron before coding-DNA position 451, one base deleted (T; older notation c.451-5delT).
Molecular consequence: intron variant.
Genome position (GRCh38, 1-based): chr17:58,363,411, A deleted on the plus strand (T on the coding strand, the reverse complement: RNF43 is on the minus strand). VCF-style (leftmost placement, unchanged base first): chr17-58363410-CA-C. GRCh37 (hg19) VCF-style: chr17-56440771-CA-C.
Other names: c.451-5del (NM_001438822.1, NM_001305544.3, NM_001438820.1 and 1 more transcripts); c.70-5del (NM_001305545.2, NM_001437987.1).
Identifiers: ClinVar variation 1577547 (VCV001577547.9), dbSNP rs777057577, ClinGen allele CA8673408.
Genomic context (GRCh38, chr17:58,363,410, plus strand): 5'-AGCGTCATTACCCCAGATCAACACCACTGGCCAGGTCAGCCCCAGCGGCTGCTGCAGCTA[CA>C]GGGGGAAAGTGCCCACAGGGCTGCTGTGACTTCTCCCTGCCCTTCCCTCTCCCCTGAGAG-3'